The following is an entry in ClinVar:

NM_000093.5(COL5A1):c.3247C>T (p.Pro1083Ser)

Gene: COL5A1 (collagen type V alpha 1 chain; plus strand). Cytogenetic location: 9q34.3.
Variant type: single nucleotide variant.
Coding change: c.3247C>T on transcript NM_000093.5 (MANE Select); coding-DNA position 3247, C replaced by T.
Protein change: p.Pro1083Ser; replaces proline 1083 with serine.
Molecular consequence: missense variant.
Genome position (GRCh38, 1-based): chr9:134,805,203, C>T. VCF-style: chr9-134805203-C-T. GRCh37 (hg19) VCF-style: chr9-137697049-C-T.
Other names: p.P1083S:CCA>TCA; c.3247C>T, p.Pro1083Ser (NM_001278074.1); short protein forms P1083S.
Identifiers: ClinVar variation 212958 (VCV000212958.22), dbSNP rs370321707, ClinGen allele CA324843.
Genomic context (GRCh38, chr9:134,805,203, plus strand): 5'-CTTTTCATGGCTTTGCAGGGAGCTCTTGGACTGAAAGGCAATGAAGGGCCCCCTGGCCCA[C>T]CAGGCCCTGCGGTGAGTCAAAGCCTTTGTCCCATCCTCTTTCTTGAATCCTACTCTCCAG-3'
Protein context (NP_000084.3, residues 1073-1093): LKGNEGPPGP[Pro1083Ser]GPAGSPGERG

ClinVar aggregate classification (germline): Conflicting classifications of pathogenicity. Review status: criteria provided, conflicting classifications (1 of 4 stars). 4 submissions from 4 submitters: Uncertain significance (2); Benign (1). 1 of the submissions does not count toward it. Last evaluated 2026-03-31.

Conditions:
COL5A1-related disorder. Also called: COL5A1-related condition.
Ehlers-Danlos syndrome, classic type, 1 (EDSCL1). Also called: Ehlers-Danlos Syndrome, Classic Type, COL5A1-Related; EHLERS-DANLOS SYNDROME, GRAVIS TYPE; EHLERS-DANLOS SYNDROME, SEVERE CLASSIC TYPE; Ehlers-Danlos syndrome, type 1; EDS I. Identifiers: MedGen C0268335, MONDO:0019567, OMIM 130000.
Familial thoracic aortic aneurysm and aortic dissection (TAAD). Also called: Thoracic aortic aneurysms and dissections. Identifiers: Orphanet 91387, MedGen C4707243, MONDO:0019625.

Allele frequency attached by ClinVar (database versions not stated): gnomAD exomes 0.00002; gnomAD 0.00003 and 0.00004; TOPMed 0.00005; ESP Exome Variant Server 0.00015; ExAC 0.00002.
gnomAD v4.1: 26 of 1,613,862 alleles (0.0016%); highest among the groups gnomAD compares: African/African-American, 0.0053%; no homozygotes.

Submissions (4):

Ambry Genetics
Classification: Uncertain significance for Familial thoracic aortic aneurysm and aortic dissection. Last evaluated: 2026-03-31. Review status: criteria provided, single submitter. Criteria: Ambry Variant Classification Scheme 2023. Collection method: clinical testing. Allele origin: germline.

Labcorp Genetics (formerly Invitae), Labcorp
Classification: Benign for Ehlers-Danlos syndrome, classic type, 1. Last evaluated: 2025-12-10. Review status: criteria provided, single submitter. Criteria: Invitae Variant Classification Sherloc (09022015). Collection method: clinical testing. Allele origin: germline.

GeneDx
Classification: Uncertain significance. Last evaluated: 2023-11-20. Review status: criteria provided, single submitter. Criteria: GeneDx Variant Classification Process June 2021. Collection method: clinical testing. Allele origin: germline. Affected: yes.
Comment: In silico analysis supports that this missense variant has a deleterious effect on protein structure/function; Identified independently and in conjunction with additional variants in individuals referred for genetic testing at GeneDx; segregation data is limited at this time; Has not been previously published as pathogenic or benign to our knowledge; This variant is associated with the following publications: (PMID: 22696272)

PreventionGenetics, part of Exact Sciences
Classification: Uncertain significance for COL5A1-related condition. Last evaluated: 2024-03-25. Review status: no assertion criteria provided. Collection method: clinical testing. Allele origin: germline. Not counted in ClinVar's aggregate classification.
Comment: The COL5A1 c.3247C>T variant is predicted to result in the amino acid substitution p.Pro1083Ser. To our knowledge, this variant has not been reported in the literature. This variant is reported in 0.0062% of alleles in individuals of African descent in gnomAD. At this time, the clinical significance of this variant is uncertain due to the absence of conclusive functional and genetic evidence.